The following is an entry in ClinVar:

ClinVar aggregate classification (germline): Likely pathogenic (1 of 4 stars; one submission).

Conditions:
Cardiovascular phenotype. Identifiers: MedGen CN230736.
Hereditary cancer-predisposing syndrome. Also called: Tumor predisposition; Hereditary neoplastic syndrome; Neoplastic Syndromes, Hereditary; Hereditary Cancer Syndrome. Identifiers: Orphanet 140162, MedGen C0027672, MeSH D009386, MONDO:0015356.

Submission:

Ambry Genetics
Classification: Likely pathogenic for Cardiovascular phenotype; Hereditary cancer-predisposing syndrome. Last evaluated: 2025-04-04. Review status: criteria provided, single submitter. Criteria: Ambry Variant Classification Scheme 2023. Collection method: clinical testing. Allele origin: germline.
Comment: The c.5517_5522delTAATTT variant (also known as p.N1840_L1841del) is located in coding exon 37 of the NF1 gene. This variant results from an in-frame TAATTT deletion at nucleotide positions 5517 to 5522. This results in the in-frame deletion of two residues at codons 1840-1841. This variant was reported in individual(s) with features consistent with neurofibromatosis type 1 (NF1) (Ambry internal data). Based on internal structural analysis, this variant is more disruptive than known pathogenic variants (Ambry internal data). This amino acid region is highly conserved in available vertebrate species. In addition, this alteration is predicted to be deleterious by in silico analysis (Choi Y et al. PLoS ONE. 2012; 7(10):e46688). This variant is considered to be rare based on population cohorts in the Genome Aggregation Database (gnomAD). Based on the majority of available evidence to date, this variant is likely to be pathogenic.

NM_001042492.3(NF1):c.5580_5585del (p.Asn1861_Leu1862del)

Gene: NF1 (neurofibromin 1; plus strand). Cytogenetic location: 17q11.2.
Variant type: Deletion.
Coding change: c.5580_5585del on transcript NM_001042492.3 (MANE Select); coding-DNA positions 5580 to 5585, 6 bases deleted (TAATTT; older notation c.5580_5585delTAATTT).
Protein change: p.Asn1861_Leu1862del.
Molecular consequence: inframe deletion. On other transcripts: inframe indel (1).
Genome position (GRCh38, 1-based): chr17:31,327,810-31,327,815, TAATTT deleted; deleting any 6 consecutive bases within chr17:31,327,809-31,327,815 gives the same sequence; the c. name uses the placement nearest the transcript's 3' end. VCF-style (leftmost placement, unchanged base first): chr17-31327808-CTTAATT-C. GRCh37 (hg19) VCF-style: chr17-29654826-CTTAATT-C.
Other names: c.5517_5522delTAATTT (NM_000267.3); c.5517_5522delTAATTT, p.Asn1840_Leu1841del (NM_000267.4).
Identifiers: ClinVar variation 4013059 (VCV004013059.1).